The following is an entry in ClinVar:

ClinVar aggregate classification (germline): Uncertain significance (1 of 4 stars; one submission).

Conditions:
Long QT syndrome (LQTS). Identifiers: MedGen C0023976, MeSH D008133, MONDO:0002442. Disease mechanism: loss of function. Inheritance: Various modes of inheritance.

gnomAD v4.1: 1 of 1,610,258 alleles (0.000062%); no homozygotes.

Submission:

Labcorp Genetics (formerly Invitae), Labcorp
Classification: Uncertain significance for Long QT syndrome. Last evaluated: 2023-05-01. Review status: criteria provided, single submitter. Criteria: Invitae Variant Classification Sherloc (09022015). Collection method: clinical testing. Allele origin: germline.
Comment: This variant is not present in population databases (gnomAD no frequency). This sequence change replaces proline, which is neutral and non-polar, with alanine, which is neutral and non-polar, at codon 787 of the ANK2 protein (p.Pro787Ala). This variant has not been reported in the literature in individuals affected with ANK2-related conditions. In summary, the available evidence is currently insufficient to determine the role of this variant in disease. Therefore, it has been classified as a Variant of Uncertain Significance. Advanced modeling of protein sequence and biophysical properties (such as structural, functional, and spatial information, amino acid conservation, physicochemical variation, residue mobility, and thermodynamic stability) performed at Invitae indicates that this missense variant is not expected to disrupt ANK2 protein function.

NM_001148.6(ANK2):c.2359C>G (p.Pro787Ala)

Gene: ANK2 (ankyrin 2; plus strand). Cytogenetic location: 4q26.
Variant type: single nucleotide variant.
Coding change: c.2359C>G on transcript NM_001148.6 (MANE Select); coding-DNA position 2359, C replaced by G.
Protein change: p.Pro787Ala; replaces proline 787 with alanine.
Molecular consequence: missense variant.
Genome position (GRCh38, 1-based): chr4:113,292,497, C>G. VCF-style: chr4-113292497-C-G. GRCh37 (hg19) VCF-style: chr4-114213653-C-G.
Other names: c.2296C>G, p.Pro766Ala (NM_001127493.3, NM_001354272.2, NM_001354239.2 and 10 more transcripts); c.2359C>G, p.Pro787Ala (NM_001354225.2, NM_001354228.2, NM_001354232.2 and 6 more transcripts); c.2404C>G, p.Pro802Ala (NM_001354230.2, NM_001354231.2, NM_001354237.2 and 5 more transcripts); c.2272C>G, p.Pro758Ala (NM_001354264.2, NM_001354266.2, NM_001354267.2 and 10 more transcripts); c.2260C>G, p.Pro754Ala (NM_001354268.2, NM_001354245.2); c.2149C>G, p.Pro717Ala (NM_001354269.3); c.2197C>G, p.Pro733Ala (NM_001354270.2, NM_001386156.1, NM_001354253.2 and 1 more transcripts); c.2173C>G, p.Pro725Ala (NM_001354271.2, NM_001386151.1, NM_001354260.2); and 8 more; short protein forms P659A, P692A, P733A, P754A, P758A, P802A, P766A, P796A.
Identifiers: ClinVar variation 2861140 (VCV002861140.3), dbSNP rs2497099406, ClinGen allele CA357919654.